The following is an entry in ClinVar:

ClinVar aggregate classification (germline): Uncertain significance (1 of 4 stars; one submission).

Conditions:
Bethlem myopathy 1A. Also called: Bethlem myopathy 1; Bethlem Muscular Dystrophy; MYOPATHY, BENIGN CONGENITAL, WITH CONTRACTURES. Identifiers: Orphanet 610, MedGen CN029274, MONDO:0024530, OMIM 158810.

Allele frequency attached by ClinVar (database versions not stated): TOPMed below 0.00001; gnomAD 0.00001.
gnomAD v4.1: 1 of 1,614,022 alleles (0.000062%); highest among the groups gnomAD compares: African/African-American, 0.0013%; no homozygotes.

Submission:

Labcorp Genetics (formerly Invitae), Labcorp
Classification: Uncertain significance for Bethlem myopathy 1A. Last evaluated: 2023-12-18. Review status: criteria provided, single submitter. Criteria: Invitae Variant Classification Sherloc (09022015). Collection method: clinical testing. Allele origin: germline.
Comment: This sequence change replaces valine, which is neutral and non-polar, with glutamic acid, which is acidic and polar, at codon 1889 of the COL6A3 protein (p.Val1889Glu). This variant is not present in population databases (gnomAD no frequency). This variant has not been reported in the literature in individuals affected with COL6A3-related conditions. ClinVar contains an entry for this variant (Variation ID: 1465689). Advanced modeling of protein sequence and biophysical properties (such as structural, functional, and spatial information, amino acid conservation, physicochemical variation, residue mobility, and thermodynamic stability) performed at Invitae indicates that this missense variant is not expected to disrupt COL6A3 protein function with a negative predictive value of 80%. In summary, the available evidence is currently insufficient to determine the role of this variant in disease. Therefore, it has been classified as a Variant of Uncertain Significance.

NM_004369.4(COL6A3):c.5666T>A (p.Val1889Glu)

Gene: COL6A3 (collagen type VI alpha 3 chain; minus strand). Cytogenetic location: 2q37.3.
Variant type: single nucleotide variant.
Coding change: c.5666T>A on transcript NM_004369.4 (MANE Select); coding-DNA position 5666, T replaced by A.
Protein change: p.Val1889Glu; replaces valine 1889 with glutamic acid.
Molecular consequence: missense variant.
Genome position (GRCh38, 1-based): chr2:237,365,870, A>T on the plus strand (T>A on the coding strand, the complement: COL6A3 is on the minus strand). VCF-style: chr2-237365870-A-T. GRCh37 (hg19) VCF-style: chr2-238274513-A-T.
Other names: c.3845T>A, p.Val1282Glu (NM_057166.5); c.5048T>A, p.Val1683Glu (NM_057167.4); short protein forms V1889E, V1282E, V1683E.
Identifiers: ClinVar variation 1465689 (VCV001465689.8), dbSNP rs1423516861, ClinGen allele CA351185964.
Genomic context (GRCh38, chr2:237,365,870, plus strand): 5'-TCTGGCTGGTACTCGTCAAAGTCAAAGGCCTCCACCGGGCCCGAGGGCGTGTTGGCCACC[A>T]CTGACACACGCACGGTGGGCGAGCGGCCACCGCTGCAGCTGACCCTGTGCATCTGGCTGA-3'
Protein context (NP_004360.2, residues 1879-1899): GGRSPTVRVS[Val1889Glu]VANTPSGPVE